The following is an entry in ClinVar:

NM_001079866.2(BCS1L):c.133C>T (p.Arg45Cys)

Gene: BCS1L (BCS1 ubiquinol-cytochrome c reductase complex chaperone; plus strand). Cytogenetic location: 2q35.
Variant type: single nucleotide variant.
Coding change: c.133C>T on transcript NM_001079866.2 (MANE Select); coding-DNA position 133, C replaced by T.
Protein change: p.Arg45Cys; replaces arginine 45 with cysteine.
Molecular consequence: missense variant. On other transcripts: 5 prime UTR variant (5), non-coding transcript variant (1), intron variant (3).
Genome position (GRCh38, 1-based): chr2:218,661,120, C>T. VCF-style: chr2-218661120-C-T. GRCh37 (hg19) VCF-style: chr2-219525843-C-T.
Other names: c.133C>T (NM_004328.4); c.133C>T, p.Arg45Cys (NM_001257342.2, NM_001257343.2, NM_001257344.2 and 10 more transcripts); c.-344C>T (NM_001371453.1, NM_001371454.1, NM_001371455.1 and 2 more transcripts); c.-40-286C>T (NM_001371451.1, NM_001318836.2); c.-41-639C>T (NM_001371452.1); short protein forms R45C.
Identifiers: ClinVar variation 6168 (VCV000006168.14), dbSNP rs121908575, ClinGen allele CA118010.

ClinVar aggregate classification (germline): Pathogenic/Likely pathogenic. Review status: criteria provided, multiple submitters, no conflicts (2 of 4 stars). 6 submissions from 6 submitters: Pathogenic (2); Likely pathogenic (3). 1 of the submissions does not count toward it. Last evaluated 2026-09-11.

Conditions:
Mitochondrial complex III deficiency nuclear type 1. Identifiers: Orphanet 254902, MedGen C3541471, MONDO:0007415, OMIM 124000.
Pili torti-deafness syndrome (BJS). Also called: PILI TORTI AND NERVE DEAFNESS; Bjornstad syndrome. Identifiers: Orphanet 123, MedGen C0266006, MONDO:0009872, OMIM 262000.
GRACILE syndrome (FLNMS). Also called: FELLMAN SYNDROME; FINNISH LETHAL NEONATAL METABOLIC SYNDROME. Identifiers: Orphanet 53693, MedGen C1864002, MONDO:0011308, OMIM 603358.

Allele frequency attached by ClinVar (database versions not stated): TOPMed 0.00001.
gnomAD v4.1: 13 of 1,614,192 alleles (0.00081%); highest among the groups gnomAD compares: South Asian, 0.0022%; no homozygotes.

Submissions (6):

GeneDx
Classification: Pathogenic. Last evaluated: 2026-09-11. Review status: criteria provided, single submitter. Criteria: GeneDx Variant Classification Process June 2021. Collection method: clinical testing. Allele origin: germline.
Comment: In silico analysis supports that this missense variant has a deleterious effect on protein structure/function; Not observed at significant frequency in large population cohorts (gnomAD); This variant is associated with the following publications: (PMID: 20727375, 12910490, 20518024, 19508421, 38821922, 34662929, 40410623)

Natera, Inc.
Classification: Likely pathogenic for GRACILE syndrome. Last evaluated: 2025-09-12. Review status: criteria provided, single submitter. Criteria: Natera Variant Classification Schema (03/2026). Collection method: clinical testing. Allele origin: germline.
Comment: The c.133C>T variant in BCS1L is a missense variant predicted to cause substitution of arginine to cysteine at amino acid 45. This variant is rare in the general population with a frequency below the threshold expected for the associated phenotype(s). This variant has been observed in one or more individuals affected with the associated recessive disease, as either homozygous or compound heterozygous with a second variant (PMID: 12910490, 19508421). Additionally, this variant has been observed to segregate in affected family members (PMID: 12910490). Computational prediction algorithms indicate this variant is likely to affect gene or protein function. Given the available evidence, this variant is classified as Likely Pathogenic.

Fulgent Genetics
Classification: Likely pathogenic for Mitochondrial complex III deficiency nuclear type 1; Pili torti-deafness syndrome; GRACILE syndrome. Last evaluated: 2024-04-02. Review status: criteria provided, single submitter. Criteria: ACMG Guidelines, 2015. Collection method: clinical testing. Allele origin: germline.

Baylor Genetics
Classification: Likely pathogenic for Pili torti-deafness syndrome. Last evaluated: 2024-03-18. Review status: criteria provided, single submitter. Criteria: ACMG Guidelines, 2015. Collection method: clinical testing. Allele origin: unknown.

Labcorp Genetics (formerly Invitae), Labcorp
Classification: Pathogenic. Last evaluated: 2024-01-25. Review status: criteria provided, single submitter. Criteria: Invitae Variant Classification Sherloc (09022015). Collection method: clinical testing. Allele origin: germline.
Comment: This sequence change replaces arginine, which is basic and polar, with cysteine, which is neutral and slightly polar, at codon 45 of the BCS1L protein (p.Arg45Cys). This variant is present in population databases (rs121908575, gnomAD 0.004%). This missense change has been observed in individual(s) with mitochondrial complex III deficiency (PMID: 12910490). In at least one individual the data is consistent with being in trans (on the opposite chromosome) from a pathogenic variant. It has also been observed to segregate with disease in related individuals. ClinVar contains an entry for this variant (Variation ID: 6168). Advanced modeling of protein sequence and biophysical properties (such as structural, functional, and spatial information, amino acid conservation, physicochemical variation, residue mobility, and thermodynamic stability) performed at Invitae indicates that this missense variant is expected to disrupt BCS1L protein function with a positive predictive value of 95%. This variant disrupts the p.Arg45 amino acid residue in BCS1L. Other variant(s) that disrupt this residue have been determined to be pathogenic (PMID: 28322498). This suggests that this residue is clinically significant, and that variants that disrupt this residue are likely to be disease-causing. For these reasons, this variant has been classified as Pathogenic.

OMIM
Classification: Pathogenic for MITOCHONDRIAL COMPLEX III DEFICIENCY, NUCLEAR TYPE 1. Last evaluated: 2009-06-01. Review status: no assertion criteria provided. Collection method: literature only. Allele origin: germline. Not counted in ClinVar's aggregate classification.

Literature cited by the submitters: PubMed 12910490 (cited by 3 submitters); PubMed 19508421 (cited by Natera, Inc. and OMIM); PubMed 28322498 (cited by Labcorp Genetics (formerly Invitae), Labcorp).